The following is an entry in ClinVar:

ClinVar aggregate classification (germline): Uncertain significance (1 of 4 stars; one submission).

Conditions:
PCNT-related disorder. Also called: PCNT-related condition.

gnomAD v4.1: 3 of 1,613,954 alleles (0.00019%); highest among the groups gnomAD compares: East Asian, 0.0022%; no homozygotes.

Submission:

PreventionGenetics, part of Exact Sciences
Classification: Uncertain significance for PCNT-related condition. Last evaluated: 2026-08-11. Review status: criteria provided, single submitter. Criteria: ACMG Guidelines, 2015. Collection method: clinical testing. Allele origin: germline.
Comment: The PCNT c.7378G>A variant is predicted to result in the amino acid substitution p.Ala2460Thr. To our knowledge, this variant has not been reported in the literature or in a large population database (gnomAD), indicating this variant is rare. At this time, the clinical significance of this variant is uncertain due to the absence of conclusive functional and genetic evidence.

NM_006031.6(PCNT):c.7378G>A (p.Ala2460Thr)

Gene: PCNT (pericentrin; plus strand). Cytogenetic location: 21q22.3.
Variant type: single nucleotide variant.
Coding change: c.7378G>A on transcript NM_006031.6 (MANE Select); coding-DNA position 7378, G replaced by A.
Protein change: p.Ala2460Thr; replaces alanine 2460 with threonine.
Molecular consequence: missense variant.
Genome position (GRCh38, 1-based): chr21:46,427,679, G>A. VCF-style: chr21-46427679-G-A. GRCh37 (hg19) VCF-style: chr21-47847593-G-A.
Other names: c.7024G>A, p.Ala2342Thr (NM_001315529.2); short protein forms A2460T, A2342T.
Identifiers: ClinVar variation 4999772 (VCV004999772.1).